The following is an entry in ClinVar:

NM_003630.3(PEX3):c.860G>T (p.Gly287Val)

Gene: PEX3 (peroxisomal biogenesis factor 3; plus strand). Cytogenetic location: 6q24.2.
Variant type: single nucleotide variant.
Coding change: c.860G>T on transcript NM_003630.3 (MANE Select); coding-DNA position 860, G replaced by T.
Protein change: p.Gly287Val; replaces glycine 287 with valine.
Molecular consequence: missense variant.
Genome position (GRCh38, 1-based): chr6:143,479,117, G>T. VCF-style: chr6-143479117-G-T. GRCh37 (hg19) VCF-style: chr6-143800254-G-T.
Other names: short protein forms G287V.
Identifiers: ClinVar variation 1496621 (VCV001496621.5), dbSNP rs780373327, ClinGen allele CA4029693.

ClinVar aggregate classification (germline): Uncertain significance (1 of 4 stars; one submission).

Allele frequency attached by ClinVar (database versions not stated): gnomAD exomes below 0.00001 and 0.00003; ExAC 0.00004.
gnomAD v4.1: 3 of 1,593,046 alleles (0.00019%); highest among the groups gnomAD compares: East Asian, 0.0067%; no homozygotes.

Submission:

Labcorp Genetics (formerly Invitae), Labcorp
Classification: Uncertain significance. Last evaluated: 2022-08-23. Review status: criteria provided, single submitter. Criteria: Invitae Variant Classification Sherloc (09022015). Collection method: clinical testing. Allele origin: germline.
Comment: This sequence change replaces glycine, which is neutral and non-polar, with valine, which is neutral and non-polar, at codon 287 of the PEX3 protein (p.Gly287Val). This variant is present in population databases (rs780373327, gnomAD 0.04%). This variant has not been reported in the literature in individuals affected with PEX3-related conditions. ClinVar contains an entry for this variant (Variation ID: 1496621). Algorithms developed to predict the effect of missense changes on protein structure and function are either unavailable or do not agree on the potential impact of this missense change (SIFT: "Tolerated"; PolyPhen-2: "Probably Damaging"; Align-GVGD: "Class C0"). In summary, the available evidence is currently insufficient to determine the role of this variant in disease. Therefore, it has been classified as a Variant of Uncertain Significance.